The following is an entry in ClinVar:

NM_000321.3(RB1):c.2536C>T (p.Gln846Ter)

Gene: RB1 (RB transcriptional corepressor 1; plus strand). Cytogenetic location: 13q14.2.
Variant type: single nucleotide variant.
Coding change: c.2536C>T on transcript NM_000321.3 (MANE Select); coding-DNA position 2536, C replaced by T.
Protein change: p.Gln846Ter; replaces glutamine 846 with a stop codon.
Molecular consequence: nonsense.
Genome position (GRCh38, 1-based): chr13:48,476,716, C>T. VCF-style: chr13-48476716-C-T. GRCh37 (hg19) VCF-style: chr13-49050852-C-T.
Other names: short protein forms Q846*.
Identifiers: ClinVar variation 1071566 (VCV001071566.9), dbSNP rs1231557654, ClinGen allele CA388168215.

ClinVar aggregate classification (germline): Pathogenic (1 of 4 stars; one submission).

Conditions:
Retinoblastoma (RB1). Also called: RETINOBLASTOMA, SOMATIC. Identifiers: Orphanet 790, MedGen C0035335, MeSH D012175, MONDO:0008380, OMIM 180200, HP:0009919. Disease mechanism: loss of function. Inheritance: Both sporadic and heritable forms are tested..

Allele frequency attached by ClinVar (database versions not stated): TOPMed below 0.00001; gnomAD 0.00001.
gnomAD v4.1: 1 of 1,612,916 alleles (0.000062%); highest among the groups gnomAD compares: Non-Finnish European, 0.000085%; no homozygotes.

Submission:

Labcorp Genetics (formerly Invitae), Labcorp
Classification: Pathogenic for Retinoblastoma. Last evaluated: 2020-01-02. Review status: criteria provided, single submitter. Criteria: Invitae Variant Classification Sherloc (09022015). Collection method: clinical testing. Allele origin: germline.
Comment: This sequence change creates a premature translational stop signal (p.Gln846*) in the RB1 gene. It is expected to result in an absent or disrupted protein product. This variant is not present in population databases (ExAC no frequency). This variant has been observed in individual(s) with retinoblastoma (PMID: 12541220, 26530098). Loss-of-function variants in RB1 are known to be pathogenic (PMID: 17096365). For these reasons, this variant has been classified as Pathogenic.

Literature cited by the submitters: PubMed 12541220; PubMed 26530098; PubMed 17096365.